The following is an entry in ClinVar:

NM_181458.4(PAX3):c.*175C>T

Gene: PAX3 (paired box 3; minus strand). Cytogenetic location: 2q36.1.
Variant type: single nucleotide variant.
Coding change: c.*175C>T on transcript NM_181458.4 (MANE Select); 175 bases downstream of the stop codon, C replaced by T.
Molecular consequence: 3 prime UTR variant. On other transcripts: nonsense (1), synonymous variant (1).
Genome position (GRCh38, 1-based): chr2:222,201,233, G>A on the plus strand (C>T on the coding strand, the complement: PAX3 is on the minus strand). VCF-style: chr2-222201233-G-A. GRCh37 (hg19) VCF-style: chr2-223065952-G-A.
Other names: c.*175C>T (NM_001127366.3); c.1459C>T, p.Gln487Ter (NM_181459.4); c.1212C>T, p.Phe404= (NM_181460.4); c.*171C>T (NM_181461.4); short protein forms Q487*.
Identifiers: ClinVar variation 1048552 (VCV001048552.2), dbSNP rs780660984, ClinGen allele CA351115219.

ClinVar aggregate classification (germline): Pathogenic (1 of 4 stars; one submission).

Conditions:
Waardenburg syndrome type 1 (WS1). Also called: WAARDENBURG SYNDROME WITH DYSTOPIA CANTHORUM; Waardenburg Syndrome Type I. Identifiers: Orphanet 894, MedGen C1847800, MONDO:0008670, OMIM 193500.

Submission:

Precision Medicine Center, Zhengzhou University
Classification: Pathogenic for Waardenburg syndrome type 1. Review status: criteria provided, single submitter. Criteria: ACMG Guidelines, 2015. Collection method: research. Allele origin: de novo. Affected: yes. Observed: 1 variant allele.
Comment: PVS1+PS2+PM2+PP3